The following is an entry in ClinVar:

ClinVar aggregate classification (germline): Uncertain significance. Review status: criteria provided, multiple submitters, no conflicts (2 of 4 stars). 2 submissions from 2 submitters: Uncertain significance (2). Last evaluated 2026-01-10.

Conditions:
Cardiovascular phenotype. Identifiers: MedGen CN230736.

Allele frequency attached by ClinVar (database versions not stated): ExAC 0.00001; gnomAD 0.00001; gnomAD exomes 0.00001 and 0.00002; TOPMed 0.00001; 1000 Genomes Project 30x 0.00016; 1000 Genomes Project 0.00020.

Submissions (2):

Ambry Genetics
Classification: Uncertain significance for Cardiovascular phenotype. Last evaluated: 2026-01-10. Review status: criteria provided, single submitter. Criteria: Ambry Variant Classification Scheme 2023. Collection method: clinical testing. Allele origin: germline.
Comment: The p.V191M variant (also known as c.571G>A), located in coding exon 5 of the ABCG8 gene, results from a G to A substitution at nucleotide position 571. The valine at codon 191 is replaced by methionine, an amino acid with highly similar properties. This amino acid position is conserved. In addition, the in silico prediction for this alteration is inconclusive. Based on the available evidence, the clinical significance of this variant remains unclear.

Labcorp Genetics (formerly Invitae), Labcorp
Classification: Uncertain significance. Last evaluated: 2024-06-12. Review status: criteria provided, single submitter. Criteria: Invitae Variant Classification Sherloc (09022015). Collection method: clinical testing. Allele origin: germline.
Comment: This sequence change replaces valine, which is neutral and non-polar, with methionine, which is neutral and non-polar, at codon 191 of the ABCG8 protein (p.Val191Met). This variant is present in population databases (rs201121311, gnomAD 0.02%). This variant has not been reported in the literature in individuals affected with ABCG8-related conditions. ClinVar contains an entry for this variant (Variation ID: 1062032). Advanced modeling of protein sequence and biophysical properties (such as structural, functional, and spatial information, amino acid conservation, physicochemical variation, residue mobility, and thermodynamic stability) has been performed at Invitae for this missense variant, however the output from this modeling did not meet the statistical confidence thresholds required to predict the impact of this variant on ABCG8 protein function. In summary, the available evidence is currently insufficient to determine the role of this variant in disease. Therefore, it has been classified as a Variant of Uncertain Significance.

NM_022437.3(ABCG8):c.571G>A (p.Val191Met)

Gene: ABCG8 (ATP binding cassette subfamily G member 8; plus strand). Cytogenetic location: 2p21.
Variant type: single nucleotide variant.
Coding change: c.571G>A on transcript NM_022437.3 (MANE Select); coding-DNA position 571, G replaced by A.
Protein change: p.Val191Met; replaces valine 191 with methionine.
Molecular consequence: missense variant.
Genome position (GRCh38, 1-based): chr2:43,852,363, G>A. VCF-style: chr2-43852363-G-A. GRCh37 (hg19) VCF-style: chr2-44079502-G-A.
Other names: c.571G>A, p.Val191Met (NM_001357321.2); c.571G>A (NM_022437.2); short protein forms V191M.
Identifiers: ClinVar variation 1062032 (VCV001062032.10), dbSNP rs201121311, ClinGen allele CA1637075.
Genomic context (GRCh38, chr2:43,852,363, plus strand): 5'-AGCCCTGAAGGAGGCCCCTGAGGTGGCCTCAAAGCTCCTTCTGGCCCACAGGTGGAGGAC[G>A]TGATCGCGGAGCTGCGGCTTAGGCAGTGCGCTGACACCCGCGTGGGCAACATGTACGTGC-3'
Protein context (NP_071882.1, residues 181-201): QAQRDKRVED[Val191Met]IAELRLRQCA